The following is an entry in ClinVar:

ClinVar aggregate classification (germline): Uncertain significance (1 of 4 stars; one submission).

Conditions:
Arrhythmogenic right ventricular dysplasia 8 (ARVD8). Also called: Arrhythmogenic Right Ventricular Dysplasia/Cardiomyopathy 8; ARRHYTHMOGENIC RIGHT VENTRICULAR DYSPLASIA, FAMILIAL, 8; ARRHYTHMOGENIC RIGHT VENTRICULAR CARDIOMYOPATHY 8. Identifiers: MedGen C1843896, MONDO:0011831, OMIM 607450.
Arrhythmogenic cardiomyopathy with wooly hair and keratoderma. Also called: PALMOPLANTAR KERATODERMA WITH LEFT VENTRICULAR CARDIOMYOPATHY AND WOOLLY HAIR; Dilated cardiomyopathy with woolly hair and keratoderma; Arrhythmogenic cardiomyopathy with woolly hair and keratoderma; Carvajal syndrome. Identifiers: Orphanet 65282, MedGen C1854063, MONDO:0011581, OMIM 605676.

Submission:

Labcorp Genetics (formerly Invitae), Labcorp
Classification: Uncertain significance for Arrhythmogenic cardiomyopathy with wooly hair and keratoderma; Arrhythmogenic right ventricular dysplasia 8. Last evaluated: 2025-05-01. Review status: criteria provided, single submitter. Criteria: Invitae Variant Classification Sherloc (09022015). Collection method: clinical testing. Allele origin: germline.
Comment: This sequence change replaces glutamic acid, which is acidic and polar, with aspartic acid, which is acidic and polar, at codon 1314 of the DSP protein (p.Glu1314Asp). This variant is not present in population databases (gnomAD no frequency). This variant has not been reported in the literature in individuals affected with DSP-related conditions. An algorithm developed to predict the effect of missense changes on protein structure and function (PolyPhen-2) suggests that this variant is likely to be tolerated. In summary, the available evidence is currently insufficient to determine the role of this variant in disease. Therefore, it has been classified as a Variant of Uncertain Significance.

NM_004415.4(DSP):c.3942G>C (p.Glu1314Asp)

Gene: DSP (desmoplakin; plus strand). Cytogenetic location: 6p24.3.
Variant type: single nucleotide variant.
Coding change: c.3942G>C on transcript NM_004415.4 (MANE Select); coding-DNA position 3942, G replaced by C.
Protein change: p.Glu1314Asp; replaces glutamic acid 1314 with aspartic acid.
Molecular consequence: missense variant. On other transcripts: intron variant (1).
Genome position (GRCh38, 1-based): chr6:7,580,132, G>C. VCF-style: chr6-7580132-G-C. GRCh37 (hg19) VCF-style: chr6-7580365-G-C.
Other names: c.3942G>C, p.Glu1314Asp (NM_001319034.2); c.3582+360G>C (NM_001008844.3); short protein forms E1314D.
Identifiers: ClinVar variation 4793327 (VCV004793327.1).